The following is an entry in ClinVar:

NM_006206.6(PDGFRA):c.2919C>A (p.Asp973Glu)

Gene: PDGFRA (platelet derived growth factor receptor alpha; plus strand). Cytogenetic location: 4q12.
Variant type: single nucleotide variant.
Coding change: c.2919C>A on transcript NM_006206.6 (MANE Select); coding-DNA position 2919, C replaced by A.
Protein change: p.Asp973Glu; replaces aspartic acid 973 with glutamic acid.
Molecular consequence: missense variant.
Genome position (GRCh38, 1-based): chr4:54,290,351, C>A. VCF-style: chr4-54290351-C-A. GRCh37 (hg19) VCF-style: chr4-55156518-C-A.
Other names: c.2919C>A (NM_006206.4); c.2994C>A, p.Asp998Glu (NM_001347828.2); c.2919C>A, p.Asp973Glu (NM_001347829.2); c.2958C>A, p.Asp986Glu (NM_001347830.2); short protein forms D973E, D986E, D998E.
Identifiers: ClinVar variation 1058239 (VCV001058239.11), dbSNP rs1467854764, ClinGen allele CA356895993.

ClinVar aggregate classification (germline): Uncertain significance. Review status: criteria provided, multiple submitters, no conflicts (2 of 4 stars). 2 submissions from 2 submitters: Uncertain significance (2). Last evaluated 2023-09-27.

Conditions:
Hereditary cancer-predisposing syndrome. Also called: Tumor predisposition; Neoplastic Syndromes, Hereditary; Hereditary neoplastic syndrome; Hereditary Cancer Syndrome. Identifiers: Orphanet 140162, MedGen C0027672, MeSH D009386, MONDO:0015356.
Gastrointestinal stromal tumor. Also called: Gastrointestinal stromal tumor, somatic; Gastrointestinal stroma tumor. Identifiers: Orphanet 44890, MedGen C0238198, MeSH D046152, MONDO:0011719, OMIM 606764, HP:0100723.

Allele frequency attached by ClinVar (database versions not stated): TOPMed below 0.00001; gnomAD 0.00001.
gnomAD v4.1: 1 of 1,611,408 alleles (0.000062%); highest among the groups gnomAD compares: Non-Finnish European, 0.000085%; no homozygotes.

Submissions (2):

Labcorp Genetics (formerly Invitae), Labcorp
Classification: Uncertain significance for Gastrointestinal stromal tumor. Last evaluated: 2023-09-27. Review status: criteria provided, single submitter. Criteria: Invitae Variant Classification Sherloc (09022015). Collection method: clinical testing. Allele origin: germline.
Comment: This sequence change replaces aspartic acid, which is acidic and polar, with glutamic acid, which is acidic and polar, at codon 973 of the PDGFRA protein (p.Asp973Glu). This variant is not present in population databases (gnomAD no frequency). This variant has not been reported in the literature in individuals affected with PDGFRA-related conditions. ClinVar contains an entry for this variant (Variation ID: 1058239). Advanced modeling of protein sequence and biophysical properties (such as structural, functional, and spatial information, amino acid conservation, physicochemical variation, residue mobility, and thermodynamic stability) performed at Invitae indicates that this missense variant is not expected to disrupt PDGFRA protein function. In summary, the available evidence is currently insufficient to determine the role of this variant in disease. Therefore, it has been classified as a Variant of Uncertain Significance.

Ambry Genetics
Classification: Uncertain significance for Hereditary cancer-predisposing syndrome. Last evaluated: 2023-08-26. Review status: criteria provided, single submitter. Criteria: Ambry Variant Classification Scheme 2023. Collection method: clinical testing. Allele origin: germline.
Comment: The p.D973E variant (also known as c.2919C>A), located in coding exon 21 of the PDGFRA gene, results from a C to A substitution at nucleotide position 2919. The aspartic acid at codon 973 is replaced by glutamic acid, an amino acid with highly similar properties. This amino acid position is conserved. In addition, the in silico prediction for this alteration is inconclusive. Since supporting evidence is limited at this time, the clinical significance of this alteration remains unclear.